The following is an entry in ClinVar:

ClinVar aggregate classification (germline): Likely benign. Review status: criteria provided, multiple submitters, no conflicts (2 of 4 stars). 3 submissions from 3 submitters: Likely benign (3). Last evaluated 2026-01-15.

Conditions:
Dilated cardiomyopathy 1KK (CMD1KK). Identifiers: Orphanet 154, Orphanet 75249, MedGen C3714995, MONDO:0014100, OMIM 615248.

Allele frequency attached by ClinVar (database versions not stated): gnomAD exomes 0.00004 and 0.00014; ExAC 0.00012; ESP Exome Variant Server 0.00038; gnomAD 0.00054 and 0.00063; TOPMed 0.00066.
gnomAD v4.1: 142 of 1,583,588 alleles (0.009%); highest among the groups gnomAD compares: African/African-American, 0.18%; no homozygotes.

Submissions (3):

Labcorp Genetics (formerly Invitae), Labcorp
Classification: Likely benign for Dilated cardiomyopathy 1KK. Last evaluated: 2026-01-15. Review status: criteria provided, single submitter. Criteria: Invitae Variant Classification Sherloc (09022015). Collection method: clinical testing. Allele origin: germline.

ARUP Laboratories, Molecular Genetics and Genomics, ARUP Laboratories
Classification: Likely benign. Last evaluated: 2020-01-16. Review status: criteria provided, single submitter. Criteria: ARUP Molecular Germline Variant Investigation Process. Collection method: clinical testing. Allele origin: germline.

GeneDx
Classification: Likely benign. Last evaluated: 2017-12-21. Review status: criteria provided, single submitter. Criteria: GeneDx Variant Classification (06012015). Collection method: clinical testing. Allele origin: germline. Affected: yes.
Comment: This variant is considered likely benign or benign based on one or more of the following criteria: it is a conservative change, it occurs at a poorly conserved position in the protein, it is predicted to be benign by multiple in silico algorithms, and/or has population frequency not consistent with disease.

NM_032578.4(MYPN):c.2925+18C>T

Gene: MYPN (myopalladin; plus strand). Cytogenetic location: 10q21.3.
Variant type: single nucleotide variant.
Coding change: c.2925+18C>T on transcript NM_032578.4 (MANE Select); 18 bases into the intron after coding-DNA position 2925, C replaced by T.
Molecular consequence: intron variant.
Genome position (GRCh38, 1-based): chr10:68,189,144, C>T. VCF-style: chr10-68189144-C-T. GRCh37 (hg19) VCF-style: chr10-69948901-C-T.
Other names: c.2925+18C>T (NM_001256267.2); c.2043+18C>T (NM_001256268.2).
Identifiers: ClinVar variation 380304 (VCV000380304.17), dbSNP rs372714890, ClinGen allele CA5522897.